The following is an entry in ClinVar:

ClinVar aggregate classification (germline): Uncertain significance (0 of 4 stars; one submission).

Submission:

Richard Lifton Laboratory, Yale University School of Medicine
Classification: Uncertain significance. Review status: no assertion criteria provided. Collection method: not provided. Allele origin: somatic.
Comment: C16orf58
ClinVar note: Converted during submission from unknown to Uncertain significance.

NM_022744.4(RUSF1):c.831C>G (p.Arg277=)

Gene: RUSF1 (RUS family member 1; minus strand). Cytogenetic location: 16p11.2.
Variant type: single nucleotide variant.
Coding change: c.831C>G on transcript NM_022744.4 (MANE Select); coding-DNA position 831, C replaced by G.
Protein change: p.Arg277=; no amino-acid change (arginine 277 retained).
Molecular consequence: synonymous variant.
Genome position (GRCh38, 1-based): chr16:31,493,730, G>C on the plus strand (C>G on the coding strand, the complement: RUSF1 is on the minus strand). VCF-style: chr16-31493730-G-C. GRCh37 (hg19) VCF-style: chr16-31505051-G-C.
Identifiers: ClinVar variation 92012 (VCV000092012.2), dbSNP rs386834265, ClinGen allele CA232349.
Genomic context (GRCh38, chr16:31,493,730, plus strand): 5'-CTTCAGGACCAGCCGGAGCCGGCCTTCGTTCAAGGTCTCCATGACCAGGGCTCGGACCGC[G>C]CGGTAGTTGGCGTAGATGTGGAGGGCAGTGAGGAAGAAGAAACATCCAAGGCTGAAGCTG-3'
Protein context (NP_073581.2, residues 267-287): LTALHIYANY[Arg277=]AVRALVMETL